The following is an entry in ClinVar:

ClinVar aggregate classification (germline): Pathogenic. Review status: no assertion criteria provided (0 of 4 stars). 2 submissions from 2 submitters: Pathogenic (2). Last evaluated 2017-07-03.

Conditions:
Corpus callosum, agenesis of. Also called: Agenesis of the corpus callosum; Isolated corpus callosum agenesis; Corpus callosum agenesis; Mental retardation hypoplastic corpus callosum preauricular tag; Da silva syndrome. Identifiers: Orphanet 200, MedGen C0175754, MONDO:0009022, OMIM 217990, HP:0001274.
Mirror movements 1 (MRMV1). Identifiers: Orphanet 238722, MedGen C1834870, OMIM 157600, MONDO:0008002.

Submissions (2):

OMIM
Classification: Pathogenic for MIRROR MOVEMENTS 1 AND/OR AGENESIS OF THE CORPUS CALLOSUM. Last evaluated: 2017-07-03. Review status: no assertion criteria provided. Collection method: literature only. Allele origin: germline.

Neurogenetics Research; Murdoch Childrens Research Institute
Classification: Pathogenic for Corpus callosum, agenesis of. Last evaluated: 2016-01-01. Review status: no assertion criteria provided. Collection method: research. Allele origin: germline. Affected: yes.
Comment: Mutations in DCC can cause either agenesis of the corpus callosum, mirror movements or both phenotypes

Literature cited by the submitters: PubMed 28250454 (cited by OMIM).

NM_005215.4(DCC):c.2378T>G (p.Val793Gly)

Gene: DCC (DCC netrin 1 receptor; plus strand). Cytogenetic location: 18q21.2.
Variant type: single nucleotide variant.
Coding change: c.2378T>G on transcript NM_005215.4 (MANE Select); coding-DNA position 2378, T replaced by G.
Protein change: p.Val793Gly; replaces valine 793 with glycine.
Molecular consequence: missense variant.
Genome position (GRCh38, 1-based): chr18:53,386,061, T>G. VCF-style: chr18-53386061-T-G. GRCh37 (hg19) VCF-style: chr18-50912431-T-G.
Other names: short protein forms V793G.
Identifiers: ClinVar variation 375282 (VCV000375282.1), dbSNP rs1057519054, ClinGen allele CA16044034.